The following is an entry in ClinVar:

ClinVar aggregate classification (germline): Uncertain significance (1 of 4 stars; one submission).

Allele frequency attached by ClinVar (database versions not stated): gnomAD 0.00001; gnomAD exomes 0.00001; ExAC 0.00003; TOPMed 0.00005.
gnomAD v4.1: 23 of 1,613,776 alleles (0.0014%); highest among the groups gnomAD compares: Admixed American, 0.0033%; no homozygotes.

Submission:

Labcorp Genetics (formerly Invitae), Labcorp
Classification: Uncertain significance. Last evaluated: 2025-04-14. Review status: criteria provided, single submitter. Criteria: Invitae Variant Classification Sherloc (09022015). Collection method: clinical testing. Allele origin: germline.
Comment: This sequence change replaces serine, which is neutral and polar, with leucine, which is neutral and non-polar, at codon 72 of the SETD5 protein (p.Ser72Leu). This variant is present in population databases (rs754881237, gnomAD 0.005%). This variant has not been reported in the literature in individuals affected with SETD5-related conditions. ClinVar contains an entry for this variant (Variation ID: 2191464). Invitae Evidence Modeling of protein sequence and biophysical properties (such as structural, functional, and spatial information, amino acid conservation, physicochemical variation, residue mobility, and thermodynamic stability) indicates that this missense variant is not expected to disrupt SETD5 protein function with a negative predictive value of 80%. In summary, the available evidence is currently insufficient to determine the role of this variant in disease. Therefore, it has been classified as a Variant of Uncertain Significance.

NM_001080517.3(SETD5):c.215C>T (p.Ser72Leu)

Gene: SETD5 (SET domain containing 5; plus strand). Cytogenetic location: 3p25.3.
Variant type: single nucleotide variant.
Coding change: c.215C>T on transcript NM_001080517.3 (MANE Select); coding-DNA position 215, C replaced by T.
Protein change: p.Ser72Leu; replaces serine 72 with leucine.
Molecular consequence: missense variant. On other transcripts: 5 prime UTR variant (2).
Genome position (GRCh38, 1-based): chr3:9,434,371, C>T. VCF-style: chr3-9434371-C-T. GRCh37 (hg19) VCF-style: chr3-9476055-C-T.
Other names: c.-119C>T (NM_001292043.2); c.-160C>T (NM_001349451.2); short protein forms S72L.
Identifiers: ClinVar variation 2191464 (VCV002191464.4), dbSNP rs754881237, ClinGen allele CA2238888.